The following is an entry in ClinVar:

NM_001364171.2(ODAD1):c.697C>T (p.Arg233Trp)

Gene: ODAD1 (outer dynein arm docking complex subunit 1; minus strand). Cytogenetic location: 19q13.33.
Variant type: single nucleotide variant.
Coding change: c.697C>T on transcript NM_001364171.2 (MANE Select); coding-DNA position 697, C replaced by T.
Protein change: p.Arg233Trp; replaces arginine 233 with tryptophan.
Molecular consequence: missense variant.
Genome position (GRCh38, 1-based): chr19:48,304,109, G>A on the plus strand (C>T on the coding strand, the complement: ODAD1 is on the minus strand). VCF-style: chr19-48304109-G-A. GRCh37 (hg19) VCF-style: chr19-48807366-G-A.
Other names: c.586C>T, p.Arg196Trp (NM_144577.4); short protein forms R196W, R233W.
Identifiers: ClinVar variation 525577 (VCV000525577.17), dbSNP rs200168343, ClinGen allele CA9548986.

ClinVar aggregate classification (germline): Conflicting classifications of pathogenicity. Review status: criteria provided, conflicting classifications (1 of 4 stars). 4 submissions from 4 submitters: Uncertain significance (2); Likely benign (2). Last evaluated 2025-12-18.

Conditions:
Primary ciliary dyskinesia. Also called: Ciliary dyskinesia. Identifiers: Orphanet 244, MedGen C0008780, MONDO:0016575, HP:0012265.

Allele frequency attached by ClinVar (database versions not stated): gnomAD 0.00010 and 0.00012; ESP Exome Variant Server 0.00015; TOPMed 0.00021; ExAC 0.00027; gnomAD exomes 0.00042.

Submissions (4):

Labcorp Genetics (formerly Invitae), Labcorp
Classification: Likely benign for Primary ciliary dyskinesia. Last evaluated: 2025-12-18. Review status: criteria provided, single submitter. Criteria: Invitae Variant Classification Sherloc (09022015). Collection method: clinical testing. Allele origin: germline.

Blueprint Genetics
Classification: Uncertain significance. Last evaluated: 2024-10-07. Review status: criteria provided, single submitter. Criteria: ACMG Guidelines, 2015. Collection method: clinical testing. Allele origin: germline.

GeneDx
Classification: Uncertain significance. Last evaluated: 2023-04-25. Review status: criteria provided, single submitter. Criteria: GeneDx Variant Classification Process June 2021. Collection method: clinical testing. Allele origin: germline. Affected: yes.
Comment: In silico analysis supports that this missense variant has a deleterious effect on protein structure/function; Has not been previously published as pathogenic or benign to our knowledge

Ambry Genetics
Classification: Likely benign for Primary ciliary dyskinesia. Last evaluated: 2022-12-23. Review status: criteria provided, single submitter. Criteria: Ambry Variant Classification Scheme 2023. Collection method: clinical testing. Allele origin: germline.